The following is an entry in ClinVar:

NM_002878.4(RAD51D):c.200A>G (p.Asn67Ser)

Genes: RAD51L3-RFFL (RAD51L3-RFFL readthrough; minus strand), RAD51D (RAD51 paralog D; minus strand). Cytogenetic location: 17q12.
Variant type: single nucleotide variant.
Coding change: c.200A>G on transcript NM_002878.4 (MANE Select); coding-DNA position 200, A replaced by G.
Protein change: p.Asn67Ser; replaces asparagine 67 with serine.
Molecular consequence: missense variant. On other transcripts: intron variant (2).
Genome position (GRCh38, 1-based): chr17:35,118,564, T>C on the plus strand (A>G on the coding strand, the complement: RAD51D is on the minus strand). VCF-style: chr17-35118564-T-C. GRCh37 (hg19) VCF-style: chr17-33445583-T-C.
Other names: c.144+547A>G (NM_133629.3, NM_001142571.2); short protein forms N67S.
Identifiers: ClinVar variation 630041 (VCV000630041.19), dbSNP rs546461804, ClinGen allele CA8499628.

ClinVar aggregate classification (germline): Conflicting classifications of pathogenicity. Review status: criteria provided, conflicting classifications (1 of 4 stars). 5 submissions from 5 submitters: Uncertain significance (4); Likely benign (1). Last evaluated 2025-10-22.

Conditions:
Breast-ovarian cancer, familial, susceptibility to, 4. Identifiers: Orphanet 145, MedGen C3280345, MONDO:0013669, OMIM 614291.
Hereditary cancer-predisposing syndrome. Also called: Neoplastic Syndromes, Hereditary; Tumor predisposition; Hereditary neoplastic syndrome; Hereditary Cancer Syndrome. Identifiers: Orphanet 140162, MedGen C0027672, MeSH D009386, MONDO:0015356.

Allele frequency attached by ClinVar (database versions not stated): gnomAD exomes below 0.00001 and 0.00001; ExAC 0.00001.
gnomAD v4.1: 2 of 1,614,166 alleles (0.00012%); highest among the groups gnomAD compares: Admixed American, 0.0017%; no homozygotes.

Submissions (5):

Labcorp Genetics (formerly Invitae), Labcorp
Classification: Uncertain significance for Breast-ovarian cancer, familial, susceptibility to, 4. Last evaluated: 2025-10-22. Review status: criteria provided, single submitter. Criteria: Invitae Variant Classification Sherloc (09022015). Collection method: clinical testing. Allele origin: germline.
Comment: This sequence change replaces asparagine, which is neutral and polar, with serine, which is neutral and polar, at codon 67 of the RAD51D protein (p.Asn67Ser). This variant is present in population databases (rs546461804, gnomAD 0.003%). This missense change has been observed in individual(s) with breast cancer (PMID: 31206626). ClinVar contains an entry for this variant (Variation ID: 630041). Invitae Evidence Modeling of protein sequence and biophysical properties (such as structural, functional, and spatial information, amino acid conservation, physicochemical variation, residue mobility, and thermodynamic stability) indicates that this missense variant is not expected to disrupt RAD51D protein function with a negative predictive value of 80%. In summary, the available evidence is currently insufficient to determine the role of this variant in disease. Therefore, it has been classified as a Variant of Uncertain Significance.

Women's Health and Genetics/Laboratory Corporation of America, LabCorp
Classification: Uncertain significance. Last evaluated: 2025-06-10. Review status: criteria provided, single submitter. Criteria: LabCorp Variant Classification Summary - May 2015. Collection method: clinical testing. Allele origin: germline.
Comment: Variant summary: RAD51D c.200A>G (p.Asn67Ser) results in a conservative amino acid change in the encoded protein sequence. Algorithms developed to predict the effect of missense changes on protein structure and function are either unavailable or do not agree on the potential impact of this missense change. The variant allele was found at a frequency of 8e-06 in 251448 control chromosomes. The available data on variant occurrences in the general population are insufficient to allow any conclusion about variant significance. c.200A>G has been observed in an individual affected with hereditary breast cancer, however it was also found in a control individual (Weitzel_2019). This report does not provide unequivocal conclusions about association of the variant with Hereditary Breast And Ovarian Cancer Syndrome. To our knowledge, no experimental evidence demonstrating an impact on protein function has been reported. The following publication has been ascertained in the context of this evaluation (PMID: 31206626). ClinVar contains an entry for this variant (Variation ID: 630041). Based on the evidence outlined above, the variant was classified as uncertain significance.

Ambry Genetics
Classification: Likely benign for Hereditary cancer-predisposing syndrome. Last evaluated: 2024-02-26. Review status: criteria provided, single submitter. Criteria: Ambry Variant Classification Scheme 2023. Collection method: clinical testing. Allele origin: germline.

GeneDx
Classification: Uncertain significance. Last evaluated: 2023-11-06. Review status: criteria provided, single submitter. Criteria: GeneDx Variant Classification Process June 2021. Collection method: clinical testing. Allele origin: germline. Affected: yes.
Comment: Not observed at significant frequency in large population cohorts (gnomAD); In silico analysis supports that this missense variant does not alter protein structure/function; Has not been previously published as pathogenic or benign to our knowledge; This variant is associated with the following publications: (PMID: 14704354, 19327148)

Color Diagnostics, LLC DBA Color Health
Classification: Uncertain significance for Hereditary cancer-predisposing syndrome. Last evaluated: 2018-11-29. Review status: criteria provided, single submitter. Criteria: ACMG Guidelines, 2015. Collection method: clinical testing. Allele origin: germline.

Literature cited by the submitters: PubMed 31206626 (cited by Labcorp Genetics (formerly Invitae), Labcorp and Women's Health and Genetics/Laboratory Corporation of America, LabCorp).